The following is an entry in ClinVar:

NM_001349253.2(SCN11A):c.1787T>G (p.Met596Arg)

Gene: SCN11A (sodium voltage-gated channel alpha subunit 11; minus strand). Cytogenetic location: 3p22.2.
Variant type: single nucleotide variant.
Coding change: c.1787T>G on transcript NM_001349253.2 (MANE Select); coding-DNA position 1787, T replaced by G.
Protein change: p.Met596Arg; replaces methionine 596 with arginine.
Molecular consequence: missense variant.
Genome position (GRCh38, 1-based): chr3:38,903,920, A>C on the plus strand (T>G on the coding strand, the complement: SCN11A is on the minus strand). VCF-style: chr3-38903920-A-C. GRCh37 (hg19) VCF-style: chr3-38945411-A-C.
Other names: c.1787T>G, p.Met596Arg (NM_014139.3); short protein forms M596R.
Identifiers: ClinVar variation 3381478 (VCV003381478.1).

ClinVar aggregate classification (germline): Uncertain significance (1 of 4 stars; one submission).

Submission:

GeneDx
Classification: Uncertain significance. Last evaluated: 2024-05-11. Review status: criteria provided, single submitter. Criteria: GeneDx Variant Classification Process June 2021. Collection method: clinical testing. Allele origin: germline. Affected: yes.
Comment: Not observed at significant frequency in large population cohorts (gnomAD); In silico analysis supports that this missense variant has a deleterious effect on protein structure/function; Has not been previously published as pathogenic or benign to our knowledge